The following is an entry in ClinVar:

NM_017780.4(CHD7):c.2569A>T (p.Lys857Ter)

Gene: CHD7 (chromodomain helicase DNA binding protein 7; plus strand). Cytogenetic location: 8q12.2.
Variant type: single nucleotide variant.
Coding change: c.2569A>T on transcript NM_017780.4 (MANE Select); coding-DNA position 2569, A replaced by T.
Protein change: p.Lys857Ter; replaces lysine 857 with a stop codon.
Molecular consequence: nonsense. On other transcripts: intron variant (1).
Genome position (GRCh38, 1-based): chr8:60,816,457, A>T. VCF-style: chr8-60816457-A-T. GRCh37 (hg19) VCF-style: chr8-61729016-A-T.
Other names: c.1716+35407A>T (NM_001316690.1); short protein forms K857*.
Identifiers: ClinVar variation 3717928 (VCV003717928.2).

ClinVar aggregate classification (germline): Pathogenic (1 of 4 stars; one submission).

Conditions:
CHARGE syndrome (CHARGE). Also called: Hittner Hirsch Kreh syndrome; CHARGE ASSOCIATION--COLOBOMA, HEART ANOMALY, CHOANAL ATRESIA, RETARDATION, GENITAL AND EAR ANOMALIES; Coloboma, heart anomaly, choanal atresia, retardation, genital and ear anomalies; CHARGE association; Hall-Hittner syndrome. Identifiers: Orphanet 138, MedGen C0265354, MONDO:0008965.

Submission:

Labcorp Genetics (formerly Invitae), Labcorp
Classification: Pathogenic for CHARGE syndrome. Last evaluated: 2024-10-02. Review status: criteria provided, single submitter. Criteria: Invitae Variant Classification Sherloc (09022015). Collection method: clinical testing. Allele origin: germline.
Comment: This sequence change creates a premature translational stop signal (p.Lys857*) in the CHD7 gene. It is expected to result in an absent or disrupted protein product. Loss-of-function variants in CHD7 are known to be pathogenic (PMID: 22461308, 25077900). This variant is not present in population databases (gnomAD no frequency). This variant has not been reported in the literature in individuals affected with CHD7-related conditions. For these reasons, this variant has been classified as Pathogenic.

Literature cited by the submitters: PubMed 22461308; PubMed 25077900.